The following is an entry in ClinVar:

NM_004304.5(ALK):c.1129C>A (p.Leu377Met)

Gene: ALK (ALK receptor tyrosine kinase; minus strand). Cytogenetic location: 2p23.2.
Variant type: single nucleotide variant.
Coding change: c.1129C>A on transcript NM_004304.5 (MANE Select); coding-DNA position 1129, C replaced by A.
Protein change: p.Leu377Met; replaces leucine 377 with methionine.
Molecular consequence: missense variant.
Genome position (GRCh38, 1-based): chr2:29,531,940, G>T on the plus strand (C>A on the coding strand, the complement: ALK is on the minus strand). VCF-style: chr2-29531940-G-T. GRCh37 (hg19) VCF-style: chr2-29754806-G-T.
Other names: short protein forms L377M.
Identifiers: ClinVar variation 5035024 (VCV005035024.1).

ClinVar aggregate classification (germline): Uncertain significance (1 of 4 stars; one submission).

Conditions:
Hereditary cancer-predisposing syndrome. Also called: Hereditary Cancer Syndrome; Neoplastic Syndromes, Hereditary; Tumor predisposition; Hereditary neoplastic syndrome. Identifiers: Orphanet 140162, MedGen C0027672, MeSH D009386, MONDO:0015356.

Submission:

Ambry Genetics
Classification: Uncertain significance for Hereditary cancer-predisposing syndrome. Last evaluated: 2026-06-24. Review status: criteria provided, single submitter. Criteria: Ambry Variant Classification Scheme 2023. Collection method: clinical testing. Allele origin: germline.
Comment: The p.L377M variant (also known as c.1129C>A), located in coding exon 4 of the ALK gene, results from a C to A substitution at nucleotide position 1129. The leucine at codon 377 is replaced by methionine, an amino acid with highly similar properties. This amino acid position is conserved. In addition, this alteration is predicted to be tolerated by in silico analysis. Based on the available evidence, the clinical significance of this variant remains unclear.